The following is an entry in ClinVar:

NC_012920.1(MT-TL2):m.12315G>A

Gene: MT-TL2 (mitochondrially encoded tRNA leucine 2 (CUN); plus strand).
Variant type: single nucleotide variant.
Genome position: chrM-12315-G-A.
Other names: 12315G-A.
Identifiers: ClinVar variation 9586 (VCV000009586.3), dbSNP rs121434462, ClinGen allele CA120558.

ClinVar aggregate classification (germline): Likely pathogenic. Review status: reviewed by expert panel (3 of 4 stars). 4 submissions from 4 submitters: Likely pathogenic (1). 3 of the submissions do not count toward it. Last evaluated 2022-11-30.

Conditions:
Primary Mitochondrial Disorders. Identifiers: MedGen CN381104.
Mitochondrial disease. Also called: Mitochondrial disorder; Mitochondrial disorders. Identifiers: Orphanet 68380, MedGen C0751651, MeSH D028361, MONDO:0044970.
MELAS syndrome (MELAS). Also called: Juvenile myopathy, encephalopathy, lactic acidosis, stroke. Identifiers: Orphanet 550, MedGen C0162671, MONDO:0010789, OMIM 540000.
Mitochondrial encephalomyopathy. Identifiers: MedGen C0162666, MONDO:0004675.

Submissions (4):

ClinGen Mitochondrial Disease Nuclear and Mitochondrial  Variant Curation Expert Panel, ClinGen
Classification: Likely pathogenic for Mitochondrial disease. Last evaluated: 2022-11-30. Review status: reviewed by expert panel. Criteria: McCormick et al. (Hum Mutat. 2020). Collection method: curation. Allele origin: germline. Inheritance: Mitochondrial inheritance.
Comment: The m.12315G>A variant in MT-TL2 has been reported in five affected and unrelated individuals from five families (PMIDs: one subject is reported in three different publications – 8923013, 9361028, 10332036; other subjects are reported in 12398839, 19718780, 18977334, 21819490; PS4_moderate). Age of onset ranged from childhood to adulthood (30s) and features included chronic progressive external ophthalmoplegia (CPEO), myopathy, pigmentary retinopathy, and sensorineural hearing loss. Muscle biopsies showed ragged red fibers, COX-deficiency, and reduced respiratory chain enzyme activities. Heteroplasmy levels ranged from 62-94% in muscle, from undetectable to 17% in blood, and were absent when assessed in other tissues. This variant occurred de novo in one individual (variant absent in blood, urine, and hair from healthy mother; PM6_supporting, PMID: 12398839). There were no similarly affected family members and no reports of transmission within a family to consider for evidence of segregation. This variant is absent in the GenBank dataset, Helix dataset, and gnomAD v3.1.2 (PM2_supporting). Single fiber testing was performed in two separate instances. This was first reported in 1996 (PMID: 8923013) and showed higher levels of the variant in fibers with no detectable COX activity (95 ± 1%, range 93–98%) than in apparently normal fibers (54 ± 33%, range 11 to 90%). Single fiber studies were again performed on a different subject in 2002 (PMID: 12398839) and revealed higher levels of the variant in COX-negative fibers (N=7, 75.34 ± 5.19% heteroplasmy, range 67.01–81.86%) than in COX-positive fibers (N=6, 32.20 ± 9.05% heteroplasmy, range 16.29–34.93%; PS3_supporting). The computational predictor MitoTIP suggests this variant is pathogenic (82.2 percentile) and HmtVAR predicts it to be pathogenic score of 0.85 (PP3). In summary, this variant meets criteria to be classified as likely pathogenic for primary mitochondrial disease inherited in a mitochondrial manner. This classification was approved by the NICHD/NINDS U24 ClinGen Mitochondrial Disease Variant Curation Expert Panel on November 30, 2022. Mitochondrial DNA-specific ACMG/AMP criteria applied (PMID: 32906214): PS4_moderate, PM6_supporting, PM2_supporting, PS3_supporting, PP3.

Variantyx, Inc.
Classification: Likely pathogenic for primary mitochondrial disorders. Last evaluated: 2025-08-04. Review status: criteria provided, single submitter. Criteria: Variantyx Assertion Criteria 2022. Collection method: clinical testing. Allele origin: germline. Inheritance: Mitochondrial inheritance. Not counted in ClinVar's aggregate classification.
Comment: The m.12315G>A change is a variant in the MT-TL2 gene which encodes the mitochondrial transfer RNA for leucine. Pathogenic variants in this gene have been associated with primary mitochondrial disorders. This variant has been reported in at least 5 unrelated affected individuals (PMID: 12398839, 19718780, 18977334, 21819490) (PS4_Moderate). Functional studies show a deleterious effect for this variant (PMID: 12398839, 8923013) (PS3) and computational algorithms support a deleterious effect on the gene or gene product 1 (PP3). This variant is absent from control populations (PM2). Other reputable laboratories have reported this variant as likely pathogenic, and this classification has been validated by an expert panel in ClinVar (PP5). Based on the current evidence, this variant is classified as likely pathogenic for primary mitochondrial disord

Wong Mito Lab, Molecular and Human Genetics, Baylor College of Medicine
Classification: Pathogenic for MELAS syndrome. Last evaluated: 2019-07-12. Review status: criteria provided, single submitter. Criteria: Modified ACMG Guidelines (Unpublished). Collection method: clinical testing. Allele origin: germline. Not counted in ClinVar's aggregate classification.
Comment: The NC_012920.1:m.12315G>A variant in MT-TL2 gene is interpreted to be a Pathogenic variant based on the modified ACMG guidelines (unpublished). This variant meets the following evidence codes reported in the guidelines: PS3, PS5, PM7

OMIM
Classification: Pathogenic for ENCEPHALOMYOPATHY, MITOCHONDRIAL. Last evaluated: 1996-11-01. Review status: no assertion criteria provided. Collection method: literature only. Allele origin: germline. Not counted in ClinVar's aggregate classification.

Literature cited by the submitters: PubMed 12398839 (cited by Variantyx, Inc. and Wong Mito Lab, Molecular and Human Genetics, Baylor College of Medicine); PubMed 8923013 (cited by 3 submitters); PubMed 9361028 (cited by Variantyx, Inc. and Wong Mito Lab, Molecular and Human Genetics, Baylor College of Medicine); PubMed 10332036 (cited by Variantyx, Inc.); PubMed 19718780 (cited by Variantyx, Inc. and Wong Mito Lab, Molecular and Human Genetics, Baylor College of Medicine); PubMed 18977334 (cited by Variantyx, Inc. and Wong Mito Lab, Molecular and Human Genetics, Baylor College of Medicine); PubMed 21819490 (cited by Variantyx, Inc.); PubMed 17072496 (cited by Variantyx, Inc.); PubMed 31965079 (cited by Wong Mito Lab, Molecular and Human Genetics, Baylor College of Medicine).